The following is an entry in ClinVar:

NM_001365276.2(TNXB):c.2915A>G (p.Asp972Gly)

Gene: TNXB (tenascin XB; minus strand). Cytogenetic location: 6p21.33.
Variant type: single nucleotide variant.
Coding change: c.2915A>G on transcript NM_001365276.2 (MANE Select); coding-DNA position 2915, A replaced by G.
Protein change: p.Asp972Gly; replaces aspartic acid 972 with glycine.
Molecular consequence: missense variant.
Genome position (GRCh38, 1-based): chr6:32,085,983, T>C on the plus strand (A>G on the coding strand, the complement: TNXB is on the minus strand). VCF-style: chr6-32085983-T-C. GRCh37 (hg19) VCF-style: chr6-32053760-T-C.
Other names: c.2915A>G, p.Asp972Gly (NM_019105.8); short protein forms D972G.
Identifiers: ClinVar variation 1797618 (VCV001797618.2), dbSNP rs2483702114, ClinGen allele CA363449594.

ClinVar aggregate classification (germline): Uncertain significance (1 of 4 stars; one submission).

Conditions:
Cardiovascular phenotype. Identifiers: MedGen CN230736.

Submission:

Ambry Genetics
Classification: Uncertain significance for Cardiovascular phenotype. Last evaluated: 2020-02-14. Review status: criteria provided, single submitter. Criteria: Ambry Variant Classification Scheme 2023. Collection method: clinical testing. Allele origin: germline.
Comment: The p.D972G variant (also known as c.2915A>G), located in coding exon 6 of the TNXB gene, results from an A to G substitution at nucleotide position 2915. The aspartic acid at codon 972 is replaced by glycine, an amino acid with similar properties. This amino acid position is highly conserved in available vertebrate species. In addition, this alteration is predicted to be tolerated by in silico analysis. Since supporting evidence is limited at this time, the clinical significance of this alteration remains unclear.